The following is an entry in ClinVar:

NM_004629.2(FANCG):c.701A>G (p.Glu234Gly)

Gene: FANCG (FA complementation group G; minus strand). Cytogenetic location: 9p13.3.
Variant type: single nucleotide variant.
Coding change: c.701A>G on transcript NM_004629.2 (MANE Select); coding-DNA position 701, A replaced by G.
Protein change: p.Glu234Gly; replaces glutamic acid 234 with glycine.
Molecular consequence: missense variant.
Genome position (GRCh38, 1-based): chr9:35,077,047, T>C on the plus strand (A>G on the coding strand, the complement: FANCG is on the minus strand). VCF-style: chr9-35077047-T-C. GRCh37 (hg19) VCF-style: chr9-35077044-T-C.
Other names: short protein forms E234G.
Identifiers: ClinVar variation 4619384 (VCV004619384.1).

ClinVar aggregate classification (germline): Uncertain significance (1 of 4 stars; one submission).

Conditions:
Inborn genetic diseases. Identifiers: MedGen C0950123, MeSH D030342.

Submission:

Ambry Genetics
Classification: Uncertain significance for Inborn genetic diseases. Last evaluated: 2025-11-02. Review status: criteria provided, single submitter. Criteria: Ambry Variant Classification Scheme 2023. Collection method: clinical testing. Allele origin: germline.
Comment: The p.E234G variant (also known as c.701A>G), located in coding exon 6 of the FANCG gene, results from an A to G substitution at nucleotide position 701. The glutamic acid at codon 234 is replaced by glycine, an amino acid with similar properties. This amino acid position is conserved. In addition, this alteration is predicted to be tolerated by in silico analysis. Based on the available evidence, the clinical significance of this variant remains unclear.